The following is an entry in ClinVar:

NM_000057.4(BLM):c.3752-8T>C

Gene: BLM (BLM RecQ like helicase; plus strand). Cytogenetic location: 15q26.1.
Variant type: single nucleotide variant.
Coding change: c.3752-8T>C on transcript NM_000057.4 (MANE Select); 8 bases into the intron before coding-DNA position 3752, T replaced by C.
Molecular consequence: intron variant.
Genome position (GRCh38, 1-based): chr15:90,809,129, T>C. VCF-style: chr15-90809129-T-C. GRCh37 (hg19) VCF-style: chr15-91352359-T-C.
Other names: c.3752-8T>C (NM_001287246.2, NM_000057.3); c.2627-8T>C (NM_001287248.2); c.3359-8T>C (NM_001287247.2).
Identifiers: ClinVar variation 1140678 (VCV001140678.10), dbSNP rs1897346891, ClinGen allele CA2195301401.
Genomic context (GRCh38, chr15:90,809,129, plus strand): 5'-ATGAGCCTGAATTCAGTGGGTTTTCTATGGGTGATAATTTAAATTCCTAATTTTATGCCT[T>C]TGCACAGAATCTTTATCTTCTGATCCTGAGGTTTTGCTTCAAATTGATGGTGTTACTGAA-3'

ClinVar aggregate classification (germline): Likely benign. Review status: criteria provided, multiple submitters, no conflicts (2 of 4 stars). 2 submissions from 2 submitters: Likely benign (2). Last evaluated 2026-09-20.

Conditions:
BLM-related disorder. Also called: BLM-related condition.
Bloom syndrome (BLM). Also called: Bloom-Torre-Machacek syndrome. Identifiers: Orphanet 125, MedGen C0005859, MONDO:0008876, OMIM 210900.

Allele frequency attached by ClinVar (database versions not stated): gnomAD exomes below 0.00001; TOPMed 0.00001.
gnomAD v4.1: 2 of 1,614,152 alleles (0.00012%); highest among the groups gnomAD compares: African/African-American, 0.0027%; no homozygotes.

Submissions (2):

PreventionGenetics, part of Exact Sciences
Classification: Likely benign for BLM-related condition. Last evaluated: 2026-09-20. Review status: criteria provided, single submitter. Criteria: ACMG Guidelines, 2015. Collection method: clinical testing. Allele origin: germline.
Comment: This variant is classified as likely benign based on ACMG/AMP sequence variant interpretation guidelines (Richards et al. 2015 PMID: 25741868, with internal and published modifications).

Labcorp Genetics (formerly Invitae), Labcorp
Classification: Likely benign for Bloom syndrome. Last evaluated: 2024-10-02. Review status: criteria provided, single submitter. Criteria: Invitae Variant Classification Sherloc (09022015). Collection method: clinical testing. Allele origin: germline.